The following is an entry in ClinVar:

NM_001042432.2(CLN3):c.962+4A>G

Gene: CLN3 (CLN3 lysosomal/endosomal transmembrane protein, battenin; minus strand). Cytogenetic location: 16p12.1.
Variant type: single nucleotide variant.
Coding change: c.962+4A>G on transcript NM_001042432.2 (MANE Select); 4 bases into the intron after coding-DNA position 962, A replaced by G.
Molecular consequence: intron variant.
Genome position (GRCh38, 1-based): chr16:28,482,323, T>C on the plus strand (A>G on the coding strand, the complement: CLN3 is on the minus strand). VCF-style: chr16-28482323-T-C. GRCh37 (hg19) VCF-style: chr16-28493644-T-C.
Other names: c.728+4A>G (NM_001286109.2); c.890+4A>G (NM_001286104.2); c.662+4A>G (NM_001286105.2); c.800+4A>G (NM_001286110.2); c.962+4A>G (NM_000086.2).
Identifiers: ClinVar variation 1420929 (VCV001420929.5), dbSNP rs1596556713, ClinGen allele CA2215698130.

ClinVar aggregate classification (germline): Uncertain significance. Review status: criteria provided, multiple submitters, no conflicts (2 of 4 stars). 2 submissions from 2 submitters: Uncertain significance (2). Last evaluated 2022-03-11.

Conditions:
Neuronal ceroid lipofuscinosis. Also called: Neuronal Ceroid Lipofuscinoses. Identifiers: Orphanet 216, Orphanet 79263, MedGen C0027877, MONDO:0016295. Disease mechanism: loss of function.

Allele frequency attached by ClinVar (database versions not stated): gnomAD exomes below 0.00001.

Submissions (3):

Blueprint Genetics
Classification: Uncertain significance. Last evaluated: 2022-03-11. Review status: criteria provided, single submitter. Criteria: ACMG Guidelines, 2015. Collection method: clinical testing. Allele origin: germline.

Labcorp Genetics (formerly Invitae), Labcorp
Classification: Uncertain significance for Neuronal ceroid lipofuscinosis. Last evaluated: 2021-09-21. Review status: criteria provided, single submitter. Criteria: Invitae Variant Classification Sherloc (09022015). Collection method: clinical testing. Allele origin: germline.
Comment: This sequence change falls in intron 13 of the CLN3 gene. It does not directly change the encoded amino acid sequence of the CLN3 protein. It affects a nucleotide within the consensus splice site of the intron. This variant is not present in population databases (ExAC no frequency). This variant has not been reported in the literature in individuals affected with CLN3-related conditions. Nucleotide substitutions within the consensus splice site are a relatively common cause of aberrant splicing (PMID: 17576681, 9536098). Algorithms developed to predict the effect of sequence changes on RNA splicing suggest that this variant may disrupt the consensus splice site. In summary, the available evidence is currently insufficient to determine the role of this variant in disease. Therefore, it has been classified as a Variant of Uncertain Significance.

Dr. Peter K. Rogan Lab, Western University
No classification provided (evidence only). Condition: Ovarian serous cystadenocarcinoma. Review status: no classification provided. Collection method: in vitro. Allele origin: not applicable. Functional consequence: retained intron. Not counted in ClinVar's aggregate classification.

Literature cited by the submitters: PubMed 17576681 (cited by Labcorp Genetics (formerly Invitae), Labcorp); PubMed 9536098 (cited by Labcorp Genetics (formerly Invitae), Labcorp).